The following is an entry in ClinVar:

ClinVar aggregate classification (germline): Benign (1 of 4 stars; one submission).

Allele frequency attached by ClinVar (database versions not stated): 1000 Genomes Project 30x 0.00921; 1000 Genomes Project 0.00799; gnomAD 0.01022 and 0.01122; TOPMed 0.01207.

Submission:

GeneDx
Classification: Benign. Last evaluated: 2014-09-05. Review status: criteria provided, single submitter. Criteria: GeneDx Variant Classification (06012015). Collection method: clinical testing. Allele origin: germline. Affected: yes.
Comment: This variant is considered likely benign or benign based on one or more of the following criteria: it is a conservative change, it occurs at a poorly conserved position in the protein, it is predicted to be benign by multiple in silico algorithms, and/or has population frequency not consistent with disease.

NM_000507.3(FBP1):c.-749G>C

Gene: FBP1 (fructose-bisphosphatase 1; minus strand). Cytogenetic location: 9q22.32.
Variant type: single nucleotide variant.
Coding change: c.-749G>C on transcript NM_000507.3; 749 bases upstream of the start codon, G replaced by C.
Molecular consequence: 5 prime UTR variant (on NM_001127628.2).
Genome position (GRCh38, 1-based): chr9:94,640,059, C>G on the plus strand (G>C on the coding strand, the complement: FBP1 is on the minus strand). VCF-style: chr9-94640059-C-G. GRCh37 (hg19) VCF-style: chr9-97402341-C-G.
Other names: c.-40G>C (NM_001127628.2).
Identifiers: ClinVar variation 214362 (VCV000214362.3), dbSNP rs73521196, ClinGen allele CA323757.